The following is an entry in ClinVar:

ClinVar aggregate classification (germline): Benign. Review status: reviewed by expert panel (3 of 4 stars). 3 submissions from 3 submitters: Benign (1). 2 of the submissions do not count toward it. Last evaluated 2023-08-10.

Conditions:
CDH1-related diffuse gastric and lobular breast cancer syndrome. Also called: CDH1-related diffuse gastric and lobular breast cancer. Identifiers: MedGen CN311521, MONDO:0100488.
Familial cancer of breast. Also called: BREAST CANCER, FAMILIAL; Hereditary breast cancer; hereditary breast carcinoma. Identifiers: Orphanet 227535, MedGen C0346153, MONDO:0016419, OMIM 114480. Disease mechanism: loss of function.
Ovarian cancer. Also called: OVARIAN CANCER, SOMATIC. Identifiers: Orphanet 213500, MedGen C1140680, MONDO:0008170, OMIM 167000.

Allele frequency attached by ClinVar (database versions not stated): gnomAD exomes 0.98802; gnomAD 0.98944 and 0.98956; TOPMed 0.99124; 1000 Genomes Project 30x 0.99469; 1000 Genomes Project 0.99481.

Submissions (3):

Clingen Gastric Cancer Variant Curation Expert Panel
Classification: Benign for CDH1-related diffuse gastric and lobular breast cancer syndrome. Last evaluated: 2023-08-10. Review status: reviewed by expert panel. Criteria: ClinGen CDH1 ACMG Specifications V3.1. Collection method: curation. Allele origin: germline. Inheritance: Autosomal dominant inheritance.
Comment: The NM_004360.4(CDH1):c.*2047A>G variant has an allele frequency of 0.99679 (99.68%, 8690/8718 alleles, 4331 homozygotes) in the African subpopulation of the gnomAD v2.1.1 cohort (BA1; BP2). Therefore, this variant meets criteria to be classified as benign. ACMG/AMP criteria applied, as specified by the CDH1 Variant Curation Expert Panel (Variant Interpretation Guidelines Version 3.1): BA1, BP2.

Department of Pathology and Laboratory Medicine, Sinai Health System
Classification: Benign for Familial cancer of breast; Ovarian cancer. Last evaluated: 2021-05-04. Review status: criteria provided, single submitter. Criteria: ACMG Guidelines, 2015. Collection method: clinical testing. Allele origin: germline. Affected: yes. Not counted in ClinVar's aggregate classification.

Breakthrough Genomics
Classification: Benign. Review status: criteria provided, single submitter. Criteria: ACMG Guidelines, 2015. Collection method: not provided. Allele origin: germline. Inheritance: Autosomal dominant inheritance. Affected: yes. Not counted in ClinVar's aggregate classification.

NC_000016.10:g.68835546A>G

Gene: CDH1 (cadherin 1; plus strand). Cytogenetic location: 16q22.1.
Variant type: single nucleotide variant.
Genome position: GRCh38 VCF-style: chr16-68835546-A-G. GRCh37 (hg19) VCF-style: chr16-68869449-A-G.
Identifiers: ClinVar variation 369122 (VCV000369122.12), dbSNP rs8045438, ClinGen allele CA10654542.